The following is an entry in ClinVar:

NM_000478.6(ALPL):c.454C>A (p.Arg152Ser)

Gene: ALPL (alkaline phosphatase, biomineralization associated; plus strand). Cytogenetic location: 1p36.12.
Variant type: single nucleotide variant.
Coding change: c.454C>A on transcript NM_000478.6 (MANE Select); coding-DNA position 454, C replaced by A.
Protein change: p.Arg152Ser; replaces arginine 152 with serine.
Molecular consequence: missense variant.
Genome position (GRCh38, 1-based): chr1:21,563,266, C>A. VCF-style: chr1-21563266-C-A. GRCh37 (hg19) VCF-style: chr1-21889759-C-A.
Other names: c.289C>A, p.Arg97Ser (NM_001127501.4); c.223C>A, p.Arg75Ser (NM_001177520.3); c.454C>A, p.Arg152Ser (NM_001369803.2, NM_001369804.2, NM_001369805.2); short protein forms R152S, R75S, R97S.
Identifiers: ClinVar variation 4856177 (VCV004856177.1).

ClinVar aggregate classification (germline): Uncertain significance (1 of 4 stars; one submission).

Conditions:
Adult hypophosphatasia. Identifiers: Orphanet 247676, Orphanet 436, MedGen C0268413, MONDO:1010154, OMIM 146300, MONDO:0007798.

Submission:

3billion
Classification: Uncertain significance for Adult hypophosphatasia. Last evaluated: 2025-06-18. Review status: criteria provided, single submitter. Criteria: ACMG Guidelines, 2015. Collection method: clinical testing. Allele origin: germline. Affected: yes.
Comment: The variant is not observed in the gnomAD v4.1.0 dataset. Predicted Consequence/Location: Missense variant In silico tool predictions suggest damaging effect of the variant on gene or gene product [3Cnet: 0.95 (> 0.75, sensitivity 0.96 and precision 0.92)]. A different missense change at the same codon (p.Arg152Cys) has been reported as pathogenic/likely pathogenic with strong evidence (ClinVar ID: VCV001470828 /PMID: 22014174). Therefore, this variant is classified as VUS according to the recommendation of ACMG/AMP guideline.

Literature cited by the submitters: PubMed 22014174.